The following is an entry in ClinVar:

ClinVar aggregate classification (germline): Benign. Review status: criteria provided, multiple submitters, no conflicts (2 of 4 stars). 6 submissions from 6 submitters: Benign (6). Last evaluated 2026-02-03.

Conditions:
Pseudohypoaldosteronism type 2B (PHA2B). Also called: Pseudohypoaldosteronism Type IIB. Identifiers: Orphanet 757, Orphanet 88939, MedGen C1840390, MONDO:0013777, OMIM 614491.

Allele frequency attached by ClinVar (database versions not stated): gnomAD exomes 0.03597; ExAC 0.04085; gnomAD 0.07470 and 0.07579; ESP Exome Variant Server 0.07789; TOPMed 0.07979; 1000 Genomes Project 0.10284; 1000 Genomes Project 30x 0.10572.
gnomAD v4.1: 34,009 of 1,613,270 alleles (2.1%); highest among the groups gnomAD compares: African/African-American, 24%; 2,895 homozygotes.

Submissions (10):

Labcorp Genetics (formerly Invitae), Labcorp
Classification: Benign. Last evaluated: 2026-02-03. Review status: criteria provided, single submitter. Criteria: Invitae Variant Classification Sherloc (09022015). Collection method: clinical testing. Allele origin: germline.

Blueprint Genetics
Classification: Benign. Last evaluated: 2024-11-27. Review status: criteria provided, single submitter. Criteria: ACMG Guidelines, 2015. Collection method: clinical testing. Allele origin: germline.

Mayo Clinic Laboratories, Mayo Clinic
Classification: Benign. Last evaluated: 2022-03-09. Review status: criteria provided, single submitter. Criteria: ACMG Guidelines, 2015. Collection method: clinical testing. Allele origin: germline. Observed: 13 variant alleles.

GeneDx
Classification: Benign. Last evaluated: 2021-05-05. Review status: criteria provided, single submitter. Criteria: GeneDx Variant Classification Process June 2021. Collection method: clinical testing. Allele origin: germline. Affected: yes.

Illumina Laboratory Services, Illumina
Classification: Benign for Pseudohypoaldosteronism type 2B. Last evaluated: 2018-01-13. Review status: criteria provided, single submitter. Criteria: ICSL Variant Classification Criteria 13 December 2019. Collection method: clinical testing. Allele origin: germline.
Comment: This variant was observed in the ICSL laboratory as part of a predisposition screen in an ostensibly healthy population. It had not been previously curated by ICSL or reported in the Human Gene Mutation Database (HGMD: prior to June 1st, 2018), and was therefore a candidate for classification through an automated scoring system. Utilizing variant allele frequency, disease prevalence and penetrance estimates, and inheritance mode, an automated score was calculated to assess if this variant is too frequent to cause the disease. Based on the score and internal cut-off values, a variant classified as benign is not then subjected to further curation. The score for this variant resulted in a classification of benign for this disease.

Breakthrough Genomics
Classification: Benign. Review status: criteria provided, single submitter. Criteria: ACMG Guidelines, 2015. Collection method: not provided. Allele origin: germline. Inheritance: Autosomal dominant inheritance. Affected: yes.

Dr. Peter K. Rogan Lab, Western University
No classification provided (evidence only). Condition: Colon adenocarcinoma. Review status: no classification provided. Collection method: in vitro. Allele origin: not applicable. Functional consequence: retained intron. Not counted in ClinVar's aggregate classification.

Dr. Peter K. Rogan Lab, Western University
No classification provided (evidence only). Condition: Colon adenocarcinoma. Review status: no classification provided. Collection method: in vitro. Allele origin: not applicable. Functional consequence: retained intron. Not counted in ClinVar's aggregate classification.

Dr. Peter K. Rogan Lab, Western University
No classification provided (evidence only). Condition: Sarcoma. Review status: no classification provided. Collection method: in vitro. Allele origin: not applicable. Functional consequence: retained intron. Not counted in ClinVar's aggregate classification.

Dr. Peter K. Rogan Lab, Western University
No classification provided (evidence only). Condition: Ovarian serous cystadenocarcinoma. Review status: no classification provided. Collection method: in vitro. Allele origin: not applicable. Functional consequence: retained intron. Not counted in ClinVar's aggregate classification.

NM_032387.5(WNK4):c.2724G>A (p.Pro908=)

Gene: WNK4 (WNK lysine deficient protein kinase 4; plus strand). Cytogenetic location: 17q21.2.
Variant type: single nucleotide variant.
Coding change: c.2724G>A on transcript NM_032387.5 (MANE Select); coding-DNA position 2724, G replaced by A.
Protein change: p.Pro908=; no amino-acid change (proline 908 retained).
Molecular consequence: synonymous variant.
Genome position (GRCh38, 1-based): chr17:42,795,145, G>A. VCF-style: chr17-42795145-G-A. GRCh37 (hg19) VCF-style: chr17-40947163-G-A.
Other names: p.Pro908=; c.1716G>A, p.Pro572= (NM_001321299.2).
Identifiers: ClinVar variation 323343 (VCV000323343.18), dbSNP rs2290042, ClinGen allele CA8584428.